The following is an entry in ClinVar:

NM_000152.5(GAA):c.2189+459_*546del

Gene: GAA (alpha glucosidase; plus strand). Cytogenetic location: 17q25.3.
Variant type: Deletion.
Coding change: c.2189+459_*546del on transcript NM_000152.5 (MANE Select); 459 bases into the intron after coding-DNA position 2189 through 546 bases downstream of the stop codon, 6,053 bases deleted.
Molecular consequence: splice acceptor variant, splice donor variant.
Genome position (GRCh38, 1-based): chr17:80,113,825-80,119,877, 6,053 bases deleted. GRCh37 (hg19): chr17:78,087,624-78,093,676.
Other names: NM_001079804.3:c.2189+459_*546del; c.2189+459_*546del (NM_001406742.1, NM_001079803.3, NM_001079804.3 and 1 more transcripts).
Identifiers: ClinVar variation 4871851 (VCV004871851.1).

ClinVar aggregate classification (germline): Pathogenic (3 of 4 stars; one submission).

Conditions:
Glycogen storage disease, type II (IOPD). Also called: CARDIOMEGALIA GLYCOGENICA DIFFUSA; GLYCOGENOSIS, GENERALIZED, CARDIAC FORM; GSD II; Glycogen storage disease type 2; Acid maltase deficiency disease; Aglucosidase alfa. Identifiers: Orphanet 365, MedGen C0017921, MONDO:0009290, OMIM 232300.

Submission:

ClinGen Lysosomal Storage Disorder Variant Curation Expert Panel
Classification: Pathogenic for Glycogen storage disease, type II. Last evaluated: 2026-04-24. Review status: reviewed by expert panel. Criteria: clingen_lsd_acmg_specifications_v2-1. Collection method: curation. Allele origin: germline. Inheritance: Autosomal recessive inheritance.
Comment: The NM_000152.5:c.2189+459_3405del (p.Glu730_Leu965del) variant is a multi-exon and 3'UTR deletion of GAA, a gene where loss of function is an established disease mechanism. This variant is expected to remove biologically relevant exons 16 through 20 (GAA has 20 exons); about 23% of the protein. The deletion includes removal of exon 18; deletion of exon 18 (c.2481+110_2646+39del, ClinVar Variation ID: 657307) is a well characterized variant that has been classified as pathogenic by the LD VCEP, thus supporting a deleterious impact for c.2189+459_3405del (PVS1). Two patients with this variant were reported with infantile-onset Pompe disease, including symptoms of cardiomegaly and hypotonia. One patient had undetectable enzyme activity and histochemical evidence of glycogen storage in muscle (PMID: 10071199), and another patient was reported to be on enzyme replacement therapy for Pompe disease (PMID: 31193175) (PP4_Moderate). One of those patients was homozygous for the variant (PMID: 10071199). The other patient was compound heterozygous for the variant and another variant in GAA, c.2012T>G (p.Met671Arg) that was confirmed to be in trans by parental testing (PMID: 31193175). The allelic data from this patient will be used in the classification of the missense change and are not included here to avoid circular logic (PM3_Supporting). The variant is absent in gnomAD v4.1.0. In summary, this variant meets the criteria to be classified as pathogenic for Pompe disease. GAA-specific ACMG/AMP criteria met, based on the specifications of the ClinGen Lysosomal Diseases Variant Curation Expert Panel (Specifications Version 2.0.0): PVS1, PP4_Moderate, PM3_Supporting, and PM2_Supporting. (Classification approved by the ClinGen Lysosomal Diseases Variant Curation Expert Panel on April 24, 2026).